The following is an entry in ClinVar:

ClinVar aggregate classification (germline): Uncertain significance (1 of 4 stars; one submission).

Conditions:
Ataxia-telangiectasia syndrome (AT). Also called: Ataxia telangiectasia (A-T); Cerebello-oculocutaneous telangiectasia; Immunodeficiency with ataxia telangiectasia; LOUIS-BAR SYNDROME; AT, COMPLEMENTATION GROUP C; ATAXIA-TELANGIECTASIA, FRESNO VARIANT. Identifiers: Orphanet 100, MedGen C0004135, MONDO:0008840, OMIM 208900.

Submission:

Labcorp Genetics (formerly Invitae), Labcorp
Classification: Uncertain significance for Ataxia-telangiectasia syndrome. Last evaluated: 2016-01-01. Review status: criteria provided, single submitter. Criteria: Invitae Variant Classification Sherloc (09022015). Collection method: clinical testing. Allele origin: germline.
Comment: This variant is not present in population databases (ExAC no frequency) and has not been reported in the literature in individuals with a ATM-related disease. Algorithms developed to predict the effect of missense changes on protein structure and function do not agree on the potential impact of this missense change (SIFT: "Deleterious"; PolyPhen-2: "Possibly Damaging"; Align-GVGD: "Class C15"). This sequence change replaces cysteine with tryptophan at codon 2337 of the ATM protein (p.Cys2337Trp). The cysteine residue is moderately conserved and there is a large physicochemical difference between cysteine and tryptophan. In summary, this is a novel missense change with uncertain impact on protein function. It has been classified as a Variant of Uncertain Significance.

NM_000051.4(ATM):c.7011T>G (p.Cys2337Trp)

Genes: C11orf65 (chromosome 11 open reading frame 65; minus strand), ATM (ATM serine/threonine kinase; plus strand). Cytogenetic location: 11q22.3.
Variant type: single nucleotide variant.
Coding change: c.7011T>G on transcript NM_000051.4 (MANE Select); coding-DNA position 7011, T replaced by G.
Protein change: p.Cys2337Trp; replaces cysteine 2337 with tryptophan.
Molecular consequence: missense variant. On other transcripts: intron variant (2).
Genome position (GRCh38, 1-based): chr11:108,327,680, T>G. VCF-style: chr11-108327680-T-G. GRCh37 (hg19) VCF-style: chr11-108198407-T-G.
Other names: c.7011T>G, p.Cys2337Trp (NM_001351834.2); c.641-18609A>C (NM_001330368.2); c.*38+7540A>C (NM_001351110.2); short protein forms C2337W.
Identifiers: ClinVar variation 236761 (VCV000236761.9), dbSNP rs878853536, ClinGen allele CA10582844.